The following is an entry in ClinVar:

ClinVar aggregate classification (germline): Pathogenic (1 of 4 stars; one submission).

Submission:

Labcorp Genetics (formerly Invitae), Labcorp
Classification: Pathogenic. Last evaluated: 2023-12-05. Review status: criteria provided, single submitter. Criteria: Invitae Variant Classification Sherloc (09022015). Collection method: clinical testing. Allele origin: germline.
Comment: This sequence change creates a premature translational stop signal (p.Glu6*) in the TSEN54 gene. It is expected to result in an absent or disrupted protein product. Loss-of-function variants in TSEN54 are known to be pathogenic (PMID: 18711368, 20952379). This variant is not present in population databases (gnomAD no frequency). This variant has not been reported in the literature in individuals affected with TSEN54-related conditions. For these reasons, this variant has been classified as Pathogenic.

Literature cited by the submitters: PubMed 18711368; PubMed 20952379.

NM_207346.3(TSEN54):c.16G>T (p.Glu6Ter)

Genes: TSEN54 (tRNA splicing endonuclease subunit 54; plus strand), LOC112533671 (Sharpr-MPRA regulatory region 12010; plus strand). Cytogenetic location: 17q25.1.
Variant type: single nucleotide variant.
Coding change: c.16G>T on transcript NM_207346.3 (MANE Select); coding-DNA position 16, G replaced by T.
Protein change: p.Glu6Ter; replaces glutamic acid 6 with a stop codon.
Molecular consequence: nonsense.
Genome position (GRCh38, 1-based): chr17:75,516,576, G>T. VCF-style: chr17-75516576-G-T. GRCh37 (hg19) VCF-style: chr17-73512657-G-T.
Other names: short protein forms E6*.
Identifiers: ClinVar variation 2701058 (VCV002701058.3), dbSNP rs1377971286, ClinGen allele CA401026815.